The following is an entry in ClinVar:

ClinVar aggregate classification (germline): Uncertain significance (0 of 4 stars; one submission).

Conditions:
SEC23IP-related disorder. Also called: SEC23IP-related condition.

Submission:

PreventionGenetics, part of Exact Sciences
Classification: Uncertain significance for SEC23IP-related condition. Last evaluated: 2024-01-10. Review status: no assertion criteria provided. Collection method: clinical testing. Allele origin: germline.
Comment: The SEC23IP c.900T>A variant is predicted to result in premature protein termination (p.Tyr300*). To our knowledge, this variant has not been reported in the literature or in a large population database, indicating this variant is rare. Of note, loss of function variants have not commonly been reported in the SEC23IP gene. At this time, the clinical significance of this variant is uncertain due to the absence of conclusive functional and genetic evidence.

NM_007190.4(SEC23IP):c.900T>A (p.Tyr300Ter)

Gene: SEC23IP (SEC23 interacting protein; plus strand). Cytogenetic location: 10q26.12.
Variant type: single nucleotide variant.
Coding change: c.900T>A on transcript NM_007190.4 (MANE Select); coding-DNA position 900, T replaced by A.
Protein change: p.Tyr300Ter; replaces tyrosine 300 with a stop codon.
Molecular consequence: nonsense. On other transcripts: non-coding transcript variant (1).
Genome position (GRCh38, 1-based): chr10:119,903,002, T>A. VCF-style: chr10-119903002-T-A. GRCh37 (hg19) VCF-style: chr10-121662514-T-A.
Other names: c.900T>A, p.Tyr300Ter (NM_001411070.1); short protein forms Y300*.
Identifiers: ClinVar variation 3044355 (VCV003044355.2), dbSNP rs2493623688, ClinGen allele CA378323320.
Genomic context (GRCh38, chr10:119,903,002, plus strand): 5'-ATACAAACAACTGTGGATGCCTTTTAGTGTGTTCGACTCTTTGAATCTTGAAGAAATCTA[T>A]AATTCAGGTAAACATTGGTCATACATCATTCATATCTGATTTTAGGAAGAGAAGGAATGA-3'